The following is an entry in ClinVar:

NM_000310.4(PPT1):c.740A>G (p.Tyr247Cys)

Gene: PPT1 (palmitoyl-protein thioesterase 1; minus strand). Cytogenetic location: 1p34.2.
Variant type: single nucleotide variant.
Coding change: c.740A>G on transcript NM_000310.4 (MANE Select); coding-DNA position 740, A replaced by G.
Protein change: p.Tyr247Cys; replaces tyrosine 247 with cysteine.
Molecular consequence: missense variant. On other transcripts: intron variant (1).
Genome position (GRCh38, 1-based): chr1:40,076,900, T>C on the plus strand (A>G on the coding strand, the complement: PPT1 is on the minus strand). VCF-style: chr1-40076900-T-C. GRCh37 (hg19) VCF-style: chr1-40542572-T-C.
Other names: c.431A>G, p.Tyr144Cys (NM_001142604.2); c.726+1660A>G (NM_001363695.2); short protein forms Y247C, Y144C.
Identifiers: ClinVar variation 379909 (VCV000379909.8), dbSNP rs764051026, ClinGen allele CA789571.

ClinVar aggregate classification (germline): Likely pathogenic. Review status: criteria provided, multiple submitters, no conflicts (2 of 4 stars). 2 submissions from 2 submitters: Likely pathogenic (2). Last evaluated 2025-04-14.

Conditions:
Neuronal ceroid lipofuscinosis 1 (CLN1). Also called: CEROID LIPOFUSCINOSIS, NEURONAL, 1, VARIABLE AGE AT ONSET; PPT1-Related Neuronal Ceroid-Lipofuscinosis. Identifiers: Orphanet 228329, MedGen C1850451, MONDO:0009744, OMIM 256730.

Allele frequency attached by ClinVar (database versions not stated): ExAC 0.00001; gnomAD exomes 0.00001.
gnomAD v4.1: 10 of 1,614,114 alleles (0.00062%); highest among the groups gnomAD compares: Admixed American, 0.0017%; no homozygotes.

Submissions (2):

Labcorp Genetics (formerly Invitae), Labcorp
Classification: Likely pathogenic for Neuronal ceroid lipofuscinosis 1. Last evaluated: 2025-04-14. Review status: criteria provided, single submitter. Criteria: Invitae Variant Classification Sherloc (09022015). Collection method: clinical testing. Allele origin: germline.
Comment: This sequence change replaces tyrosine, which is neutral and polar, with cysteine, which is neutral and slightly polar, at codon 247 of the PPT1 protein (p.Tyr247Cys). This variant is present in population databases (rs764051026, gnomAD 0.003%). This missense change has been observed in individual(s) with epilepsy and neurodevelopmental disorder (PMID: 29655203). ClinVar contains an entry for this variant (Variation ID: 379909). Invitae Evidence Modeling of protein sequence and biophysical properties (such as structural, functional, and spatial information, amino acid conservation, physicochemical variation, residue mobility, and thermodynamic stability) indicates that this missense variant is expected to disrupt PPT1 protein function with a positive predictive value of 95%. This variant disrupts the p.Tyr247 amino acid residue in PPT1. Other variant(s) that disrupt this residue have been determined to be pathogenic (PMID: 9664077, 11440996, 23857568, 29631617). This suggests that this residue is clinically significant, and that variants that disrupt this residue are likely to be disease-causing. In summary, the currently available evidence indicates that the variant is pathogenic, but additional data are needed to prove that conclusively. Therefore, this variant has been classified as Likely Pathogenic.

GeneDx
Classification: Likely pathogenic. Last evaluated: 2020-11-10. Review status: criteria provided, single submitter. Criteria: GeneDx Variant Classification Process June 2021. Collection method: clinical testing. Allele origin: germline. Affected: yes.
Comment: Not observed at a significant frequency in large population cohorts (Lek et al., 2016); In silico analysis supports that this missense variant has a deleterious effect on protein structure/function; This variant is associated with the following publications: (PMID: 29655203)

Literature cited by the submitters: PubMed 29655203 (cited by Labcorp Genetics (formerly Invitae), Labcorp); PubMed 9664077 (cited by Labcorp Genetics (formerly Invitae), Labcorp); PubMed 11440996 (cited by Labcorp Genetics (formerly Invitae), Labcorp); PubMed 23857568 (cited by Labcorp Genetics (formerly Invitae), Labcorp); PubMed 29631617 (cited by Labcorp Genetics (formerly Invitae), Labcorp).